The following is an entry in ClinVar:

ClinVar aggregate classification (germline): Uncertain significance. Review status: criteria provided, multiple submitters, no conflicts (2 of 4 stars). 2 submissions from 2 submitters: Uncertain significance (2). Last evaluated 2025-05-27.

Conditions:
Autosomal dominant epilepsy with auditory features. Identifiers: Orphanet 101046, MedGen C1838062, MONDO:0010898.
Inborn genetic diseases. Identifiers: MedGen C0950123, MeSH D030342.

Allele frequency attached by ClinVar (database versions not stated): gnomAD exomes below 0.00001; ExAC 0.00001; TOPMed 0.00002; gnomAD 0.00003.

Submissions (2):

Labcorp Genetics (formerly Invitae), Labcorp
Classification: Uncertain significance for Autosomal dominant epilepsy with auditory features. Last evaluated: 2025-05-27. Review status: criteria provided, single submitter. Criteria: Invitae Variant Classification Sherloc (09022015). Collection method: clinical testing. Allele origin: germline.
Comment: This sequence change replaces isoleucine, which is neutral and non-polar, with threonine, which is neutral and polar, at codon 239 of the LGI1 protein (p.Ile239Thr). This variant is present in population databases (rs780241372, gnomAD 0.0009%). This variant has not been reported in the literature in individuals affected with LGI1-related conditions. ClinVar contains an entry for this variant (Variation ID: 2964311). Invitae Evidence Modeling of protein sequence and biophysical properties (such as structural, functional, and spatial information, amino acid conservation, physicochemical variation, residue mobility, and thermodynamic stability) indicates that this missense variant is not expected to disrupt LGI1 protein function with a negative predictive value of 80%. In summary, the available evidence is currently insufficient to determine the role of this variant in disease. Therefore, it has been classified as a Variant of Uncertain Significance.

Ambry Genetics
Classification: Uncertain significance for Inborn genetic diseases. Last evaluated: 2025-04-04. Review status: criteria provided, single submitter. Criteria: Ambry Variant Classification Scheme 2023. Collection method: clinical testing. Allele origin: germline.

NM_005097.4(LGI1):c.716T>C (p.Ile239Thr)

Gene: LGI1 (leucine rich glioma inactivated 1; plus strand). Cytogenetic location: 10q23.33.
Variant type: single nucleotide variant.
Coding change: c.716T>C on transcript NM_005097.4 (MANE Select); coding-DNA position 716, T replaced by C.
Protein change: p.Ile239Thr; replaces isoleucine 239 with threonine.
Molecular consequence: missense variant. On other transcripts: non-coding transcript variant (1).
Genome position (GRCh38, 1-based): chr10:93,793,228, T>C. VCF-style: chr10-93793228-T-C. GRCh37 (hg19) VCF-style: chr10-95552985-T-C.
Other names: c.716T>C, p.Ile239Thr (NM_001308275.2); c.572T>C, p.Ile191Thr (NM_001308276.2); c.716T>C (NM_005097.2); short protein forms I191T, I239T.
Identifiers: ClinVar variation 2964311 (VCV002964311.4), dbSNP rs780241372, ClinGen allele CA5611171.